The following is an entry in ClinVar:

ClinVar aggregate classification (germline): Pathogenic (1 of 4 stars; one submission).

Conditions:
Alstrom syndrome (ALMS). Identifiers: Orphanet 64, MedGen C0268425, MONDO:0008763, OMIM 203800.

Allele frequency attached by ClinVar (database versions not stated): TOPMed below 0.00001.

Submission:

Labcorp Genetics (formerly Invitae), Labcorp
Classification: Pathogenic for Alstrom syndrome. Last evaluated: 2021-10-23. Review status: criteria provided, single submitter. Criteria: Invitae Variant Classification Sherloc (09022015). Collection method: clinical testing. Allele origin: germline.
Comment: For these reasons, this variant has been classified as Pathogenic. This premature translational stop signal has been observed in individual(s) with clinical features of Alstrom syndrome (PMID: 17594715). This variant is not present in population databases (ExAC no frequency). This sequence change creates a premature translational stop signal (p.Gln3110*) in the ALMS1 gene. It is expected to result in an absent or disrupted protein product. Loss-of-function variants in ALMS1 are known to be pathogenic (PMID: 17594715).

Literature cited by the submitters: PubMed 17594715.

NM_001378454.1(ALMS1):c.9325C>T (p.Gln3109Ter)

Gene: ALMS1 (ALMS1 centrosome and basal body associated protein; plus strand). Cytogenetic location: 2p13.1.
Variant type: single nucleotide variant.
Coding change: c.9325C>T on transcript NM_001378454.1 (MANE Select); coding-DNA position 9325, C replaced by T.
Protein change: p.Gln3109Ter; replaces glutamine 3109 with a stop codon.
Molecular consequence: nonsense.
Genome position (GRCh38, 1-based): chr2:73,491,284, C>T. VCF-style: chr2-73491284-C-T. GRCh37 (hg19) VCF-style: chr2-73718411-C-T.
Other names: c.9328C>T, p.Gln3110Ter (NM_015120.4); short protein forms Q3109*, Q3110*.
Identifiers: ClinVar variation 1457432 (VCV001457432.6), dbSNP rs1558667813, ClinGen allele CA347274099.